The following is an entry in ClinVar:

ClinVar aggregate classification (germline): Uncertain significance (1 of 4 stars; one submission).

Allele frequency attached by ClinVar (database versions not stated): TOPMed below 0.00001; gnomAD 0.00001.
gnomAD v4.1: 1 of 1,606,402 alleles (0.000062%); highest among the groups gnomAD compares: Non-Finnish European, 0.000085%; no homozygotes.

Submission:

Labcorp Genetics (formerly Invitae), Labcorp
Classification: Uncertain significance. Last evaluated: 2022-11-03. Review status: criteria provided, single submitter. Criteria: Invitae Variant Classification Sherloc (09022015). Collection method: clinical testing. Allele origin: germline.
Comment: In summary, the available evidence is currently insufficient to determine the role of this variant in disease. Therefore, it has been classified as a Variant of Uncertain Significance. Algorithms developed to predict the effect of missense changes on protein structure and function (SIFT, PolyPhen-2, Align-GVGD) all suggest that this variant is likely to be tolerated. This variant has not been reported in the literature in individuals affected with GRM1-related conditions. This variant is not present in population databases (gnomAD no frequency). This sequence change replaces threonine, which is neutral and polar, with asparagine, which is neutral and polar, at codon 1000 of the GRM1 protein (p.Thr1000Asn).

NM_001278064.2(GRM1):c.2999C>A (p.Thr1000Asn)

Gene: GRM1 (glutamate metabotropic receptor 1; plus strand). Cytogenetic location: 6q24.3.
Variant type: single nucleotide variant.
Coding change: c.2999C>A on transcript NM_001278064.2 (MANE Select); coding-DNA position 2999, C replaced by A.
Protein change: p.Thr1000Asn; replaces threonine 1000 with asparagine.
Molecular consequence: missense variant. On other transcripts: 3 prime UTR variant (3).
Genome position (GRCh38, 1-based): chr6:146,434,210, C>A. VCF-style: chr6-146434210-C-A. GRCh37 (hg19) VCF-style: chr6-146755346-C-A.
Other names: c.*363C>A (NM_001278065.2); c.*328C>A (NM_001278066.1); c.*237C>A (NM_001278067.1); short protein forms T1000N.
Identifiers: ClinVar variation 2811778 (VCV002811778.3), dbSNP rs953028341, ClinGen allele CA149303124.